The following is an entry in ClinVar:

NM_004408.4(DNM1):c.703G>A (p.Val235Met)

Gene: DNM1 (dynamin 1; plus strand). Cytogenetic location: 9q34.11.
Variant type: single nucleotide variant.
Coding change: c.703G>A on transcript NM_004408.4 (MANE Select); coding-DNA position 703, G replaced by A.
Protein change: p.Val235Met; replaces valine 235 with methionine.
Molecular consequence: missense variant.
Genome position (GRCh38, 1-based): chr9:128,220,195, G>A. VCF-style: chr9-128220195-G-A. GRCh37 (hg19) VCF-style: chr9-130982474-G-A.
Other names: c.703G>A, p.Val235Met (NM_001005336.3, NM_001288737.2, NM_001288738.2 and 2 more transcripts); short protein forms V235M.
Identifiers: ClinVar variation 1395355 (VCV001395355.6), dbSNP rs2131157918, ClinGen allele CA375012922.

ClinVar aggregate classification (germline): Uncertain significance (1 of 4 stars; one submission).

Conditions:
Developmental and epileptic encephalopathy, 31A. Also called: Developmental and epileptic encephalopathy, 31; Epileptic encephalopathy, early infantile, 31. Identifiers: Orphanet 2382, MedGen C4225357, MONDO:0014598, OMIM 616346.

Allele frequency attached by ClinVar (database versions not stated): gnomAD exomes below 0.00001.
gnomAD v4.1: 1 of 1,614,208 alleles (0.000062%); highest among the groups gnomAD compares: Non-Finnish European, 0.000085%; no homozygotes.

Submission:

Labcorp Genetics (formerly Invitae), Labcorp
Classification: Uncertain significance for Developmental and epileptic encephalopathy, 31A. Last evaluated: 2021-11-27. Review status: criteria provided, single submitter. Criteria: Invitae Variant Classification Sherloc (09022015). Collection method: clinical testing. Allele origin: germline.
Comment: This variant is not present in population databases (gnomAD no frequency). This variant has not been reported in the literature in individuals affected with DNM1-related conditions. Advanced modeling of protein sequence and biophysical properties (such as structural, functional, and spatial information, amino acid conservation, physicochemical variation, residue mobility, and thermodynamic stability) performed at Invitae indicates that this missense variant is expected to disrupt DNM1 protein function. In summary, the available evidence is currently insufficient to determine the role of this variant in disease. Therefore, it has been classified as a Variant of Uncertain Significance. This sequence change replaces valine, which is neutral and non-polar, with methionine, which is neutral and non-polar, at codon 235 of the DNM1 protein (p.Val235Met).